The following is an entry in ClinVar:

NM_000169.3(GLA):c.142G>T (p.Glu48Ter)

Genes: GLA (galactosidase alpha; minus strand), RPL36A-HNRNPH2 (RPL36A-HNRNPH2 readthrough; plus strand). Cytogenetic location: Xq22.1.
Variant type: single nucleotide variant.
Coding change: c.142G>T on transcript NM_000169.3 (MANE Select); coding-DNA position 142, G replaced by T.
Protein change: p.Glu48Ter; replaces glutamic acid 48 with a stop codon.
Molecular consequence: nonsense. On other transcripts: non-coding transcript variant (3), intron variant (2).
Genome position (GRCh38, 1-based): chrX:101,407,762, C>A on the plus strand (G>T on the coding strand, the complement: GLA is on the minus strand). VCF-style: chrX-101407762-C-A. GRCh37 (hg19) VCF-style: chrX-100662750-C-A.
Other names: c.142G>T, p.Glu48Ter (NM_001406747.1, NM_001406748.1, NM_001406749.1); c.301-4174C>A (NM_001199973.2); c.178-4174C>A (NM_001199974.2); short protein forms E48*.
Identifiers: ClinVar variation 4856608 (VCV004856608.2).

ClinVar aggregate classification (germline): Pathogenic/Likely pathogenic. Review status: criteria provided, multiple submitters, no conflicts (2 of 4 stars). 2 submissions from 2 submitters: Pathogenic (1); Likely pathogenic (1). Last evaluated 2026-09-08.

Conditions:
Fabry disease. Also called: Fabry's disease; ALPHA-GALACTOSIDASE A DEFICIENCY; ANDERSON-FABRY DISEASE; CERAMIDE TRIHEXOSIDASE DEFICIENCY; GLA DEFICIENCY; HEREDITARY DYSTOPIC LIPIDOSIS. Identifiers: Orphanet 324, MedGen C0002986, MONDO:0010526, OMIM 301500, HP:0001071. Disease mechanism: Fabry disease is due to inactivating mutations in the X-linked GLA gene resulting in deficiency of the enzyme Alpha Galactosidase-A., loss of function.

Submissions (2):

Genomenon, Inc
Classification: Pathogenic for Fabry disease. Last evaluated: 2026-09-08. Review status: criteria provided, single submitter. Criteria: Genomenon Sequence Variant Interpretation Standards - Updated. Collection method: curation. Allele origin: germline. Affected: yes.
Comment: GLA p.Glu48Ter (c.142G>T) is a nonsense variant that introduces a premature stop codon at amino acid position 48 and is predicted to result in a truncated or absent protein product. This variant has been observed in at least one proband with clinical features consistent with Fabry disease (PMID:40276560). It is absent or not present at a significant frequency in gnomAD. In conclusion, we classify GLA p.Glu48Ter (c.142G>T) as a pathogenic variant.

Serv. Biochemistry and Molecular genetics, Hospital Clinic de Barcelona, Hospital Clínic de Barcelona
Classification: Likely pathogenic for Fabry disease. Last evaluated: 2026-05-21. Review status: criteria provided, single submitter. Criteria: ACMG Guidelines, 2015. Collection method: clinical testing. Allele origin: germline. Inheritance: X-linked inheritance. Observed: 3 variant alleles.
Comment: Classification reported in the manuscript using ACMG criteria/in silico tools: Pathogenic. Variant type: Nonsense; amino acid change: p.Glu48Ter. Criteria: PVS1, PM2

Literature cited by the submitters: PubMed 40276560 (cited by Genomenon, Inc).